The following is an entry in ClinVar:

NM_005257.6(GATA6):c.857G>A (p.Gly286Asp)

Gene: GATA6 (GATA binding protein 6; plus strand). Cytogenetic location: 18q11.2.
Variant type: single nucleotide variant.
Coding change: c.857G>A on transcript NM_005257.6 (MANE Select); coding-DNA position 857, G replaced by A.
Protein change: p.Gly286Asp; replaces glycine 286 with aspartic acid.
Molecular consequence: missense variant.
Genome position (GRCh38, 1-based): chr18:22,172,001, G>A. VCF-style: chr18-22172001-G-A. GRCh37 (hg19) VCF-style: chr18-19751962-G-A.
Other names: short protein forms G286D.
Identifiers: ClinVar variation 377079 (VCV000377079.7), dbSNP rs1024878588, ClinGen allele CA16603259.

ClinVar aggregate classification (germline): Conflicting classifications of pathogenicity. Review status: criteria provided, conflicting classifications (1 of 4 stars). 3 submissions from 3 submitters: Uncertain significance (2); Likely benign (1). Last evaluated 2024-10-24.

Conditions:
Atrioventricular septal defect 5 (AVSD5). Identifiers: MedGen C3280939, MONDO:0013769, OMIM 614474.

Allele frequency attached by ClinVar (database versions not stated): gnomAD exomes 0.00001; gnomAD 0.00002 and 0.00003; TOPMed 0.00003.

Submissions (3):

Labcorp Genetics (formerly Invitae), Labcorp
Classification: Uncertain significance for Atrioventricular septal defect 5. Last evaluated: 2024-10-24. Review status: criteria provided, single submitter. Criteria: Invitae Variant Classification Sherloc (09022015). Collection method: clinical testing. Allele origin: germline.
Comment: This sequence change replaces glycine, which is neutral and non-polar, with aspartic acid, which is acidic and polar, at codon 286 of the GATA6 protein (p.Gly286Asp). This variant is not present in population databases (gnomAD no frequency). This variant has not been reported in the literature in individuals affected with GATA6-related conditions. ClinVar contains an entry for this variant (Variation ID: 377079). An algorithm developed to predict the effect of missense changes on protein structure and function (PolyPhen-2) suggests that this variant is likely to be tolerated. In summary, the available evidence is currently insufficient to determine the role of this variant in disease. Therefore, it has been classified as a Variant of Uncertain Significance.

Blueprint Genetics
Classification: Likely benign. Last evaluated: 2024-08-31. Review status: criteria provided, single submitter. Criteria: ACMG Guidelines, 2015. Collection method: clinical testing. Allele origin: germline.

Center for Pediatric Genomic Medicine, Children's Mercy Hospital and Clinics
Classification: Uncertain significance. Last evaluated: 2016-11-08. Review status: criteria provided, single submitter. Criteria: ACMG Guidelines, 2015. Collection method: clinical testing. Allele origin: germline.
ClinVar note: Converted during submission from Uncertain Significance to Uncertain significance.